The following is an entry in ClinVar:

ClinVar aggregate classification (germline): Benign. Review status: criteria provided, multiple submitters, no conflicts (2 of 4 stars). 5 submissions from 5 submitters: Benign (3). 2 of the submissions do not count toward it. Last evaluated 2026-07-01.

Conditions:
Cone-rod dystrophy 7 (CORD7). Identifiers: Orphanet 1872, MedGen C1863634, MONDO:0011355, OMIM 603649.

Allele frequency attached by ClinVar (database versions not stated): 1000 Genomes Project 0.00060; 1000 Genomes Project 30x 0.00094; ESP Exome Variant Server 0.00186; TOPMed 0.00193; gnomAD 0.00305 and 0.00320; gnomAD exomes 0.00317; ExAC 0.00611.
gnomAD v4.1: 5,354 of 1,585,546 alleles (0.34%); highest among the groups gnomAD compares: Non-Finnish European, 0.35%; 20 homozygotes.

Submissions (5):

CeGaT Center for Human Genetics Tuebingen
Classification: Benign. Last evaluated: 2026-07-01. Review status: criteria provided, single submitter. Criteria: CeGaT Center For Human Genetics Tuebingen Variant Classification Criteria Version 2. Collection method: clinical testing. Allele origin: germline. Affected: yes. Observed: 1 variant allele.
Comment: RIMS1: BS1, BS2

Labcorp Genetics (formerly Invitae), Labcorp
Classification: Benign. Last evaluated: 2025-12-15. Review status: criteria provided, single submitter. Criteria: Invitae Variant Classification Sherloc (09022015). Collection method: clinical testing. Allele origin: germline.

Illumina Laboratory Services, Illumina
Classification: Benign for Cone-rod dystrophy 7. Last evaluated: 2018-01-13. Review status: criteria provided, single submitter. Criteria: ICSL Variant Classification Criteria 13 December 2019. Collection method: clinical testing. Allele origin: germline.
Comment: This variant was observed in the ICSL laboratory as part of a predisposition screen in an ostensibly healthy population. It had not been previously curated by ICSL or reported in the Human Gene Mutation Database (HGMD: prior to June 1st, 2018), and was therefore a candidate for classification through an automated scoring system. Utilizing variant allele frequency, disease prevalence and penetrance estimates, and inheritance mode, an automated score was calculated to assess if this variant is too frequent to cause the disease. Based on the score and internal cut-off values, a variant classified as benign is not then subjected to further curation. The score for this variant resulted in a classification of benign for this disease.

Clinical Genetics DNA and cytogenetics Diagnostics Lab, Erasmus MC, Erasmus Medical Center
Classification: Likely benign. Review status: no assertion criteria provided. Collection method: clinical testing. Allele origin: germline. Affected: yes. Study: VKGL Data-share Consensus. Not counted in ClinVar's aggregate classification.

Clinical Genetics, Academic Medical Center
Classification: Benign. Review status: no assertion criteria provided. Collection method: clinical testing. Allele origin: germline. Affected: yes. Study: VKGL Data-share Consensus. Not counted in ClinVar's aggregate classification.

NM_014989.7(RIMS1):c.1459G>A (p.Ala487Thr)

Gene: RIMS1 (regulating synaptic membrane exocytosis 1; plus strand). Cytogenetic location: 6q13.
Variant type: single nucleotide variant.
Coding change: c.1459G>A on transcript NM_014989.7 (MANE Select); coding-DNA position 1459, G replaced by A.
Protein change: p.Ala487Thr; replaces alanine 487 with threonine.
Molecular consequence: missense variant.
Genome position (GRCh38, 1-based): chr6:72,182,930, G>A. VCF-style: chr6-72182930-G-A. GRCh37 (hg19) VCF-style: chr6-72892633-G-A.
Other names: short protein forms A487T.
Identifiers: ClinVar variation 357840 (VCV000357840.19), dbSNP rs200422266, ClinGen allele CA3885703.
Genomic context (GRCh38, chr6:72,182,930, plus strand): 5'-CAGGAGCCCCTCAGGAAGCAGAGCCGCCTGGACCCCAGCTCGGCGGTCCTCATGCGGAAG[G>A]CCAAGCGCGAGAAGGTGGAGACCATGCTGCGGAACGACTCTTTGAGCTCAGACCAGTCCG-3'
Protein context (NP_055804.2, residues 477-497): DPSSAVLMRK[Ala487Thr]KREKVETMLR